The following is an entry in ClinVar:

NM_000824.5(GLRB):c.610+4C>T

Gene: GLRB (glycine receptor beta; plus strand). Cytogenetic location: 4q32.1.
Variant type: single nucleotide variant.
Coding change: c.610+4C>T on transcript NM_000824.5 (MANE Select); 4 bases into the intron after coding-DNA position 610, C replaced by T.
Molecular consequence: intron variant.
Genome position (GRCh38, 1-based): chr4:157,136,890, C>T. VCF-style: chr4-157136890-C-T. GRCh37 (hg19) VCF-style: chr4-158058042-C-T.
Other names: c.610+4C>T (NM_001166061.2, NM_001166060.2).
Identifiers: ClinVar variation 2160929 (VCV002160929.1), dbSNP rs779156561, ClinGen allele CA3119806.

ClinVar aggregate classification (germline): Uncertain significance (1 of 4 stars; one submission).

Conditions:
Hyperekplexia 2 (HKPX2). Identifiers: Orphanet 3197, MedGen C3553291, MONDO:0013828, OMIM 614619.

Allele frequency attached by ClinVar (database versions not stated): ExAC 0.00001; TOPMed 0.00004; gnomAD 0.00005.
gnomAD v4.1: 42 of 1,530,524 alleles (0.0027%); highest among the groups gnomAD compares: Admixed American, 0.0084%; no homozygotes.

Submission:

Labcorp Genetics (formerly Invitae), Labcorp
Classification: Uncertain significance for Hyperekplexia 2. Last evaluated: 2022-08-15. Review status: criteria provided, single submitter. Criteria: Invitae Variant Classification Sherloc (09022015). Collection method: clinical testing. Allele origin: germline.
Comment: This sequence change falls in intron 6 of the GLRB gene. It does not directly change the encoded amino acid sequence of the GLRB protein. It affects a nucleotide within the consensus splice site. This variant is present in population databases (rs779156561, gnomAD 0.003%). This variant has not been reported in the literature in individuals affected with GLRB-related conditions. Variants that disrupt the consensus splice site are a relatively common cause of aberrant splicing (PMID: 17576681, 9536098). Algorithms developed to predict the effect of sequence changes on RNA splicing suggest that this variant is not likely to affect RNA splicing. In summary, the available evidence is currently insufficient to determine the role of this variant in disease. Therefore, it has been classified as a Variant of Uncertain Significance.

Literature cited by the submitters: PubMed 17576681; PubMed 9536098.